The following is an entry in ClinVar:

ClinVar aggregate classification (germline): Uncertain significance (1 of 4 stars; one submission).

Submission:

Women's Health and Genetics/Laboratory Corporation of America, LabCorp
Classification: Uncertain significance. Last evaluated: 2023-08-24. Review status: criteria provided, single submitter. Criteria: LabCorp Variant Classification Summary - May 2015. Collection method: clinical testing. Allele origin: germline.
Comment: Variant summary: MYT1L c.2938G>T (p.Ala980Ser) results in a conservative amino acid change located in a Zinc finger, C2H2C-type repeat (IPR002515) of the encoded protein sequence. Three of five in-silico tools predict a damaging effect of the variant on protein function. The variant was absent in 248894 control chromosomes. The available data on variant occurrences in the general population are insufficient to allow any conclusion about variant significance. To our knowledge, no occurrence of c.2938G>T in individuals affected with Mental Retardation, Autosomal Dominant 39 and no experimental evidence demonstrating its impact on protein function have been reported. No submitters have cited clinical-significance assessments for this variant to ClinVar after 2014. Based on the evidence outlined above, the variant was classified as uncertain significance.

NM_001303052.2(MYT1L):c.2944G>T (p.Ala982Ser)

Gene: MYT1L (myelin transcription factor 1 like; minus strand). Cytogenetic location: 2p25.3.
Variant type: single nucleotide variant.
Coding change: c.2944G>T on transcript NM_001303052.2 (MANE Select); coding-DNA position 2944, G replaced by T.
Protein change: p.Ala982Ser; replaces alanine 982 with serine.
Molecular consequence: missense variant.
Genome position (GRCh38, 1-based): chr2:1,839,285, C>A on the plus strand (G>T on the coding strand, the complement: MYT1L is on the minus strand). VCF-style: chr2-1839285-C-A. GRCh37 (hg19) VCF-style: chr2-1843057-C-A.
Other names: c.2944G>T, p.Ala982Ser (NM_001329844.2, NM_001329845.1, NM_001329851.3); c.2938G>T, p.Ala980Ser (NM_001329846.3, NM_001329847.2, NM_001329848.1 and 3 more transcripts); short protein forms A980S, A982S.
Identifiers: ClinVar variation 2581348 (VCV002581348.1), dbSNP rs2550341070, ClinGen allele CA345699334.